The following is an entry in ClinVar:

ClinVar aggregate classification (germline): Uncertain significance. Review status: criteria provided, multiple submitters, no conflicts (2 of 4 stars). 2 submissions from 2 submitters: Uncertain significance (2). Last evaluated 2019-03-31.

Conditions:
Kleefstra syndrome 2 (KLEFS2). Identifiers: MedGen C4540395, MONDO:0054701, OMIM 617768.

Submissions (2):

GeneDx
Classification: Uncertain significance. Last evaluated: 2019-03-31. Review status: criteria provided, single submitter. Criteria: GeneDx Variant Classification Process June 2021. Collection method: clinical testing. Allele origin: germline. Affected: yes.
Comment: Not observed in large population cohorts (Lek et al., 2016); In silico analysis, which includes protein predictors and evolutionary conservation, supports that this variant does not alter protein structure/function; Has not been previously published as pathogenic or benign to our knowledge

Juno Genomics, Hangzhou Juno Genomics, Inc
Classification: Uncertain significance for Kleefstra syndrome 2. Review status: criteria provided, single submitter. Criteria: ACMG Guidelines, 2015. Collection method: clinical testing. Allele origin: germline.
Comment: Absent from controls (or at extremely low frequency if recessive) in Genome Aggregation Database.;Missense variant in a gene that has a low rate of benign missense variation.;Multiple lines of computational evidence support a deleterious effect on the gene or gene product.

NM_170606.3(KMT2C):c.14413A>G (p.Ile4805Val)

Gene: KMT2C (lysine methyltransferase 2C; minus strand). Cytogenetic location: 7q36.1.
Variant type: single nucleotide variant.
Coding change: c.14413A>G on transcript NM_170606.3 (MANE Select); coding-DNA position 14413, A replaced by G.
Protein change: p.Ile4805Val; replaces isoleucine 4805 with valine.
Molecular consequence: missense variant.
Genome position (GRCh38, 1-based): chr7:152,139,722, T>C on the plus strand (A>G on the coding strand, the complement: KMT2C is on the minus strand). VCF-style: chr7-152139722-T-C. GRCh37 (hg19) VCF-style: chr7-151836807-T-C.
Other names: short protein forms I4805V.
Identifiers: ClinVar variation 1308387 (VCV001308387.4), dbSNP rs2129089861, ClinGen allele CA370085880.